The following is an entry in ClinVar:

ClinVar aggregate classification (germline): Uncertain significance (1 of 4 stars; one submission).

Conditions:
ALG9 congenital disorder of glycosylation (CDG1L). Also called: CONGENITAL DISORDER OF GLYCOSYLATION, TYPE Il; CDG Il; ALG9-CDG. Identifiers: Orphanet 79328, MedGen C2931006, MONDO:0012117, OMIM 608776.

Submission:

Labcorp Genetics (formerly Invitae), Labcorp
Classification: Uncertain significance for ALG9 congenital disorder of glycosylation. Last evaluated: 2022-09-27. Review status: criteria provided, single submitter. Criteria: Invitae Variant Classification Sherloc (09022015). Collection method: clinical testing. Allele origin: germline.
Comment: In summary, the available evidence is currently insufficient to determine the role of this variant in disease. Therefore, it has been classified as a Variant of Uncertain Significance. Experimental studies and prediction algorithms are not available or were not evaluated, and the functional significance of this variant is currently unknown. ClinVar contains an entry for this variant (Variation ID: 1509240). This variant has not been reported in the literature in individuals affected with ALG9-related conditions. This variant is not present in population databases (gnomAD no frequency). This sequence change replaces arginine, which is basic and polar, with leucine, which is neutral and non-polar, at codon 409 of the ALG9 protein (p.Arg409Leu).

NM_024740.2(ALG9):c.1226G>T (p.Arg409Leu)

Gene: ALG9 (ALG9 alpha-1,2-mannosyltransferase; minus strand). Cytogenetic location: 11q23.1.
Variant type: single nucleotide variant.
Coding change: c.1226G>T on transcript NM_024740.2 (MANE Select); coding-DNA position 1226, G replaced by T.
Protein change: p.Arg409Leu; replaces arginine 409 with leucine.
Molecular consequence: missense variant. On other transcripts: non-coding transcript variant (1).
Genome position (GRCh38, 1-based): chr11:111,838,347, C>A on the plus strand (G>T on the coding strand, the complement: ALG9 is on the minus strand). VCF-style: chr11-111838347-C-A. GRCh37 (hg19) VCF-style: chr11-111709070-C-A.
Other names: c.1205G>T, p.Arg402Leu (NM_001077690.1, NM_001352417.1); c.713G>T, p.Arg238Leu (NM_001077691.2, NM_001352413.1, NM_001352414.2 and 1 more transcripts); c.692G>T, p.Arg231Leu (NM_001077692.2, NM_001352409.1, NM_001352410.1 and 6 more transcripts); c.1082G>T, p.Arg361Leu (NM_001352418.1); c.617G>T, p.Arg206Leu (NM_001352422.2); c.569G>T, p.Arg190Leu (NM_001352423.2); short protein forms R190L, R361L, R231L, R238L, R409L, R206L, R402L.
Identifiers: ClinVar variation 1509240 (VCV001509240.6), dbSNP rs929508101, ClinGen allele CA382593741.